The following is an entry in ClinVar:

NM_016599.5(MYOZ2):c.673C>A (p.Pro225Thr)

Gene: MYOZ2 (myozenin 2; plus strand). Cytogenetic location: 4q26.
Variant type: single nucleotide variant.
Coding change: c.673C>A on transcript NM_016599.5 (MANE Select); coding-DNA position 673, C replaced by A.
Protein change: p.Pro225Thr; replaces proline 225 with threonine.
Molecular consequence: missense variant.
Genome position (GRCh38, 1-based): chr4:119,186,078, C>A. VCF-style: chr4-119186078-C-A. GRCh37 (hg19) VCF-style: chr4-120107233-C-A.
Other names: short protein forms P225T.
Identifiers: ClinVar variation 1755179 (VCV001755179.2), dbSNP rs1309021294, ClinGen allele CA358202131.

ClinVar aggregate classification (germline): Uncertain significance (1 of 4 stars; one submission).

Conditions:
Cardiovascular phenotype. Identifiers: MedGen CN230736.

Allele frequency attached by ClinVar (database versions not stated): gnomAD 0.00001.
gnomAD v4.1: 3 of 1,613,782 alleles (0.00019%); highest among the groups gnomAD compares: African/African-American, 0.0013%; no homozygotes.

Submission:

Ambry Genetics
Classification: Uncertain significance for Cardiovascular phenotype. Last evaluated: 2020-07-14. Review status: criteria provided, single submitter. Criteria: Ambry Variant Classification Scheme 2023. Collection method: clinical testing. Allele origin: germline.
Comment: The p.P225T variant (also known as c.673C>A), located in coding exon 5 of the MYOZ2 gene, results from a C to A substitution at nucleotide position 673. The proline at codon 225 is replaced by threonine, an amino acid with highly similar properties. A different variant affecting this codon (p.P225L, c.674C>T) has been detected in a left ventricular noncompaction cohort (Miszalski-Jamka K et al. Circ Cardiovasc Genet, 2017 Aug;10:). This amino acid position is highly conserved in available vertebrate species. In addition, the in silico prediction for this alteration is inconclusive. Since supporting evidence is limited at this time, the clinical significance of this alteration remains unclear.

Literature cited by the submitters: PubMed 28798025.